The following is an entry in ClinVar:

NM_007194.4(CHEK2):c.870_871insCTAC (p.Phe291fs)

Gene: CHEK2 (checkpoint kinase 2; minus strand). Cytogenetic location: 22q12.1.
Variant type: Insertion.
Coding change: c.870_871insCTAC on transcript NM_007194.4 (MANE Select); coding-DNA positions 870 to 871, CTAC inserted.
Protein change: p.Phe291fs; shifts the reading frame from phenylalanine 291.
Molecular consequence: frameshift variant.
Genome position: GRCh38 VCF-style: chr22-28703542-A-AGTAG. GRCh37 (hg19) VCF-style: chr22-29099530-A-AGTAG.
Other names: c.997_998insACCT, p.Phe334Leufs (NM_001005735.3); c.205_206insACCT, p.Phe70Leufs (NM_001257387.3); c.667_668insACCT, p.Phe224Leufs (NM_001349956.3); c.868_869insACCT, p.Phe291Leufs (NM_145862.3); short protein forms F224fs, F291fs, F334fs, F70fs.
Identifiers: ClinVar variation 960112 (VCV000960112.8), dbSNP rs2052980434, ClinGen allele CA1139666359.

ClinVar aggregate classification (germline): Pathogenic (1 of 4 stars; one submission).

Conditions:
Familial cancer of breast. Also called: BREAST CANCER, FAMILIAL; Hereditary breast cancer; hereditary breast carcinoma. Identifiers: Orphanet 227535, MedGen C0346153, MONDO:0016419, OMIM 114480. Disease mechanism: loss of function.

Submission:

Labcorp Genetics (formerly Invitae), Labcorp
Classification: Pathogenic for Familial cancer of breast. Last evaluated: 2022-02-03. Review status: criteria provided, single submitter. Criteria: Invitae Variant Classification Sherloc (09022015). Collection method: clinical testing. Allele origin: germline.
Comment: This sequence change creates a premature translational stop signal (p.Phe291Leufs*4) in the CHEK2 gene. It is expected to result in an absent or disrupted protein product. Loss-of-function variants in CHEK2 are known to be pathogenic (PMID: 21876083, 24713400). This variant is not present in population databases (gnomAD no frequency). This variant has not been reported in the literature in individuals affected with CHEK2-related conditions. For these reasons, this variant has been classified as Pathogenic. ClinVar contains an entry for this variant (Variation ID: 960112).

Literature cited by the submitters: PubMed 21876083; PubMed 24713400.